The following is an entry in ClinVar:

NM_012268.4(PLD3):c.187G>A (p.Gly63Ser)

Gene: PLD3 (phospholipase D family member 3; plus strand). Cytogenetic location: 19q13.2.
Variant type: single nucleotide variant.
Coding change: c.187G>A on transcript NM_012268.4 (MANE Select); coding-DNA position 187, G replaced by A.
Protein change: p.Gly63Ser; replaces glycine 63 with serine.
Molecular consequence: missense variant.
Genome position (GRCh38, 1-based): chr19:40,366,857, G>A. VCF-style: chr19-40366857-G-A. GRCh37 (hg19) VCF-style: chr19-40872764-G-A.
Other names: p.Gly63Ser; c.187G>A, p.Gly63Ser (NM_001031696.4, NM_001291311.2); c.187G>A (NM_012268.3); short protein forms G63S.
Identifiers: ClinVar variation 2046591 (VCV002046591.22), dbSNP rs142070038, ClinGen allele CA9442606.

ClinVar aggregate classification (germline): Benign. Review status: criteria provided, multiple submitters, no conflicts (2 of 4 stars). 4 submissions from 4 submitters: Benign (3). 1 of the submissions does not count toward it. Last evaluated 2026-07-01.

Conditions:
PLD3-related disorder. Also called: PLD3-related condition.

Allele frequency attached by ClinVar (database versions not stated): 1000 Genomes Project 30x 0.00016; 1000 Genomes Project 0.00020; gnomAD exomes 0.00069; gnomAD 0.00086; ExAC 0.00089; TOPMed 0.00093; ESP Exome Variant Server 0.00108.
gnomAD v4.1: 1,208 of 1,613,978 alleles (0.075%); highest among the groups gnomAD compares: Middle Eastern, 1.7%; 5 homozygotes.

Submissions (4):

CeGaT Center for Human Genetics Tuebingen
Classification: Benign. Last evaluated: 2026-07-01. Review status: criteria provided, single submitter. Criteria: CeGaT Center For Human Genetics Tuebingen Variant Classification Criteria Version 2. Collection method: clinical testing. Allele origin: germline. Affected: yes. Observed: 1 variant allele.
Comment: PLD3: BP4, BS1, BS2

Labcorp Genetics (formerly Invitae), Labcorp
Classification: Benign. Last evaluated: 2026-01-05. Review status: criteria provided, single submitter. Criteria: Invitae Variant Classification Sherloc (09022015). Collection method: clinical testing. Allele origin: germline.

Mayo Clinic Laboratories, Mayo Clinic
Classification: Benign. Last evaluated: 2023-04-19. Review status: criteria provided, single submitter. Criteria: ACMG Guidelines, 2015. Collection method: clinical testing. Allele origin: germline. Observed: 4 variant alleles.
Comment: BS1, BS2, BP4

PreventionGenetics, part of Exact Sciences
Classification: Benign for PLD3-related condition. Last evaluated: 2019-07-19. Review status: no assertion criteria provided. Collection method: clinical testing. Allele origin: germline. Not counted in ClinVar's aggregate classification.
Comment: This variant is classified as benign based on ACMG/AMP sequence variant interpretation guidelines (Richards et al. 2015 PMID: 25741868, with internal and published modifications).

Literature cited by the submitters: PubMed 26411346 (cited by Mayo Clinic Laboratories, Mayo Clinic).